The following is an entry in ClinVar:

ClinVar aggregate classification (germline): Pathogenic (1 of 4 stars; one submission).

Conditions:
MHC class II deficiency. Also called: Bare lymphocyte syndrome 2; BLS, TYPE II. Identifiers: Orphanet 572, MedGen C5447452, MONDO:0008855.

Submission:

Labcorp Genetics (formerly Invitae), Labcorp
Classification: Pathogenic for MHC class II deficiency. Last evaluated: 2024-03-28. Review status: criteria provided, single submitter. Criteria: Invitae Variant Classification Sherloc (09022015). Collection method: clinical testing. Allele origin: germline.
Comment: This sequence change creates a premature translational stop signal (p.Arg354Glyfs*7) in the RFX5 gene. While this is not anticipated to result in nonsense mediated decay, it is expected to disrupt the last 263 amino acid(s) of the RFX5 protein. This variant is not present in population databases (gnomAD no frequency). This variant has not been reported in the literature in individuals affected with RFX5-related conditions. This variant disrupts a region of the RFX5 protein in which other variant(s) (p.Ser571Glnfs*22) have been determined to be pathogenic (Invitae). This suggests that this is a clinically significant region of the protein, and that variants that disrupt it are likely to be disease-causing. For these reasons, this variant has been classified as Pathogenic.

NM_001025603.2(RFX5):c.1059del (p.Arg354fs)

Gene: RFX5 (regulatory factor X5; minus strand). Cytogenetic location: 1q21.3.
Variant type: Deletion.
Coding change: c.1059del on transcript NM_001025603.2 (MANE Select); coding-DNA position 1059, one base deleted (C; older notation c.1059delC).
Protein change: p.Arg354fs; shifts the reading frame from arginine 354.
Molecular consequence: frameshift variant.
Genome position (GRCh38, 1-based): chr1:151,342,978, G deleted on the plus strand (C on the coding strand, the reverse complement: RFX5 is on the minus strand); the first of 5 consecutive G bases (chr1:151,342,978-151,342,982); deleting any one gives the same sequence. VCF-style (leftmost placement, unchanged base first): chr1-151342977-TG-T. GRCh37 (hg19) VCF-style: chr1-151315453-TG-T.
Other names: c.1059del, p.Arg354fs (NM_000449.4, NM_001379412.1, NM_001379413.1 and 5 more transcripts); c.939del, p.Arg314fs (NM_001379419.1, NM_001379420.1); short protein forms R354fs, R314fs.
Identifiers: ClinVar variation 2853561 (VCV002853561.3), dbSNP rs2529019322, ClinGen allele CA420908635.